The following is an entry in ClinVar:

NM_006940.6(SOX5):c.346G>T (p.Gly116Cys)

Gene: SOX5 (SRY-box transcription factor 5; minus strand). Cytogenetic location: 12p12.1.
Variant type: single nucleotide variant.
Coding change: c.346G>T on transcript NM_006940.6 (MANE Select); coding-DNA position 346, G replaced by T.
Protein change: p.Gly116Cys; replaces glycine 116 with cysteine.
Molecular consequence: missense variant.
Genome position (GRCh38, 1-based): chr12:23,846,118, C>A on the plus strand (G>T on the coding strand, the complement: SOX5 is on the minus strand). VCF-style: chr12-23846118-C-A. GRCh37 (hg19) VCF-style: chr12-23999052-C-A.
Other names: c.307G>T, p.Gly103Cys (NM_001261414.3, NM_152989.5); c.316G>T, p.Gly106Cys (NM_001261415.3); c.241G>T, p.Gly81Cys (NM_001330785.2); short protein forms G103C, G106C, G116C, G81C.
Identifiers: ClinVar variation 4882853 (VCV004882853.2).

ClinVar aggregate classification (germline): Uncertain significance (1 of 4 stars; one submission).

Submission:

Dasa
Classification: Uncertain significance. Last evaluated: 2025-09-25. Review status: criteria provided, single submitter. Criteria: DASA Assertion Criteria. Collection method: clinical testing. Allele origin: germline.
Comment: NM_006940.6(SOX5):c.346G>T (p.Gly116Cys) is a missense variant that results in the substitution of glycine with cysteine. This variant is absent from population databases. The currently available literature and clinical evidence are not sufficient to establish a definitive association between this variant and the reported condition. Therefore, this variant is classified as a variant of uncertain significance.